The following is an entry in ClinVar:

ClinVar aggregate classification (germline): Uncertain significance (1 of 4 stars; one submission).

Allele frequency attached by ClinVar (database versions not stated): gnomAD exomes below 0.00001; gnomAD 0.00001.
gnomAD v4.1: 2 of 1,607,646 alleles (0.00012%); highest among the groups gnomAD compares: African/African-American, 0.0027%; no homozygotes.

Submission:

Labcorp Genetics (formerly Invitae), Labcorp
Classification: Uncertain significance. Last evaluated: 2022-08-22. Review status: criteria provided, single submitter. Criteria: Invitae Variant Classification Sherloc (09022015). Collection method: clinical testing. Allele origin: germline.
Comment: This sequence change replaces methionine, which is neutral and non-polar, with isoleucine, which is neutral and non-polar, at codon 403 of the SLC34A3 protein (p.Met403Ile). This variant is not present in population databases (gnomAD no frequency). In summary, the available evidence is currently insufficient to determine the role of this variant in disease. Therefore, it has been classified as a Variant of Uncertain Significance. Algorithms developed to predict the effect of missense changes on protein structure and function output the following: SIFT: "Tolerated"; PolyPhen-2: "Benign"; Align-GVGD: "Class C0". The isoleucine amino acid residue is found in multiple mammalian species, which suggests that this missense change does not adversely affect protein function. This variant has not been reported in the literature in individuals affected with SLC34A3-related conditions.

NM_001177316.2(SLC34A3):c.1209G>T (p.Met403Ile)

Gene: SLC34A3 (solute carrier family 34 member 3; plus strand). Cytogenetic location: 9q34.3.
Variant type: single nucleotide variant.
Coding change: c.1209G>T on transcript NM_001177316.2 (MANE Select); coding-DNA position 1209, G replaced by T.
Protein change: p.Met403Ile; replaces methionine 403 with isoleucine.
Molecular consequence: missense variant.
Genome position (GRCh38, 1-based): chr9:137,234,531, G>T. VCF-style: chr9-137234531-G-T. GRCh37 (hg19) VCF-style: chr9-140128983-G-T.
Other names: c.1209G>T, p.Met403Ile (NM_001177317.2, NM_080877.3); short protein forms M403I.
Identifiers: ClinVar variation 1717652 (VCV001717652.5), dbSNP rs1358076169, ClinGen allele CA375737645.
Genomic context (GRCh38, chr9:137,234,531, plus strand): 5'-CGGCCTGACCTTCGCACTGCAGAGCAGCAGCGTCTTCACGGCGGCCGTCGTGCCCCTCAT[G>T]GGTGAGCAGGCAGGACAGAGGCCTCGGGAACGGGGGCTCGGGCTGGGGTCCTGTGGTGAC-3'
Protein context (NP_001170787.2, residues 393-413): SVFTAAVVPL[Met403Ile]GVGVISLDRA